The following is an entry in ClinVar:

NM_001267550.2(TTN):c.24011T>G (p.Leu8004Trp)

Gene: TTN (titin; minus strand). Cytogenetic location: 2q31.2.
Variant type: single nucleotide variant.
Coding change: c.24011T>G on transcript NM_001267550.2 (MANE Select); coding-DNA position 24011, T replaced by G.
Protein change: p.Leu8004Trp; replaces leucine 8004 with tryptophan.
Molecular consequence: missense variant. On other transcripts: intron variant (3).
Genome position (GRCh38, 1-based): chr2:178,719,379, A>C on the plus strand (T>G on the coding strand, the complement: TTN is on the minus strand). VCF-style: chr2-178719379-A-C. GRCh37 (hg19) VCF-style: chr2-179584106-A-C.
Other names: c.23060T>G, p.Leu7687Trp (NM_001256850.1); c.20279T>G, p.Leu6760Trp (NM_133378.4); c.13282+18703T>G (NM_003319.4); c.13858+18703T>G (NM_133437.4); c.13657+18703T>G (NM_133432.3); short protein forms L6760W, L7687W, L8004W.
Identifiers: ClinVar variation 2690335 (VCV002690335.3), dbSNP rs1274821392, ClinGen allele CA349502987.

ClinVar aggregate classification (germline): Uncertain significance. Review status: criteria provided, multiple submitters, no conflicts (2 of 4 stars). 2 submissions from 2 submitters: Uncertain significance (2). Last evaluated 2024-07-30.

Allele frequency attached by ClinVar (database versions not stated): gnomAD 0.00001; gnomAD exomes 0.00001; TOPMed 0.00001.
gnomAD v4.1: 7 of 1,613,666 alleles (0.00043%); highest among the groups gnomAD compares: Admixed American, 0.01%; no homozygotes.

Submissions (2):

Women's Health and Genetics/Laboratory Corporation of America, LabCorp
Classification: Uncertain significance. Last evaluated: 2024-07-30. Review status: criteria provided, single submitter. Criteria: LabCorp Variant Classification Summary - May 2015. Collection method: clinical testing. Allele origin: germline.
Comment: Variant summary: TTN c.20279T>G (p.Leu6760Trp) results in a non-conservative amino acid change located in the I-band of the encoded protein sequence. Two of three in-silico tools predict a damaging effect of the variant on protein function. The variant allele was found at a frequency of 2e-05 in 248804 control chromosomes. The available data on variant occurrences in the general population are insufficient to allow any conclusion about variant significance. To our knowledge, no occurrence of c.20279T>G in individuals affected with Limb-Girdle Muscular Dystrophy, Type 2J and no experimental evidence demonstrating its impact on protein function have been reported. ClinVar contains an entry for this variant (Variation ID: 2690335). Based on the evidence outlined above, the variant was classified as uncertain significance.

Revvity Omics, Revvity
Classification: Uncertain significance. Last evaluated: 2023-05-29. Review status: criteria provided, single submitter. Criteria: ACMG Guidelines, 2015. Collection method: clinical testing. Allele origin: germline.